The following is an entry in ClinVar:

ClinVar aggregate classification (germline): Conflicting classifications of pathogenicity. Review status: criteria provided, conflicting classifications (1 of 4 stars). 3 submissions from 3 submitters: Uncertain significance (2); Likely benign (1). Last evaluated 2023-11-22.

Conditions:
Primary ciliary dyskinesia. Also called: Ciliary dyskinesia. Identifiers: Orphanet 244, MedGen C0008780, MONDO:0016575, HP:0012265.

Allele frequency attached by ClinVar (database versions not stated): gnomAD 0.00003; TOPMed 0.00008.
gnomAD v4.1: 63 of 1,613,504 alleles (0.0039%); highest among the groups gnomAD compares: African/African-American, 0.0013%; no homozygotes.

Submissions (3):

Ambry Genetics
Classification: Likely benign for Primary ciliary dyskinesia. Last evaluated: 2023-11-22. Review status: criteria provided, single submitter. Criteria: Ambry Variant Classification Scheme 2023. Collection method: clinical testing. Allele origin: germline.

CeGaT Center for Human Genetics Tuebingen
Classification: Uncertain significance. Last evaluated: 2022-07-01. Review status: criteria provided, single submitter. Criteria: CeGaT Center For Human Genetics Tuebingen Variant Classification Criteria Version 2. Collection method: clinical testing. Allele origin: germline. Affected: yes. Observed: 1 variant allele.

Labcorp Genetics (formerly Invitae), Labcorp
Classification: Uncertain significance for Primary ciliary dyskinesia. Last evaluated: 2021-09-24. Review status: criteria provided, single submitter. Criteria: Invitae Variant Classification Sherloc (09022015). Collection method: clinical testing. Allele origin: germline.
Comment: This sequence change affects codon 2328 of the DNAH11 mRNA. It is a 'silent' change, meaning that it does not change the encoded amino acid sequence of the DNAH11 protein. It affects a nucleotide within the consensus splice site of the intron. This variant is present in population databases (rs761918179, ExAC 0.01%). This variant has not been reported in the literature in individuals affected with DNAH11-related conditions. ClinVar contains an entry for this variant (Variation ID: 581578). Algorithms developed to predict the effect of sequence changes on RNA splicing suggest that this variant may disrupt the consensus splice site. In summary, the available evidence is currently insufficient to determine the role of this variant in disease. Therefore, it has been classified as a Variant of Uncertain Significance.

NM_001277115.2(DNAH11):c.6984G>T (p.Pro2328=)

Gene: DNAH11 (dynein axonemal heavy chain 11; plus strand). Cytogenetic location: 7p15.3.
Variant type: single nucleotide variant.
Coding change: c.6984G>T on transcript NM_001277115.2 (MANE Select); coding-DNA position 6984, G replaced by T.
Protein change: p.Pro2328=; no amino-acid change (proline 2328 retained).
Molecular consequence: synonymous variant.
Genome position (GRCh38, 1-based): chr7:21,717,775, G>T. VCF-style: chr7-21717775-G-T. GRCh37 (hg19) VCF-style: chr7-21757393-G-T.
Identifiers: ClinVar variation 581578 (VCV000581578.29), dbSNP rs761918179, ClinGen allele CA4181081.